The following is an entry in ClinVar:

ClinVar aggregate classification (germline): Likely benign (1 of 4 stars; one submission).

Submission:

Molecular Diagnostic Laboratory for Inherited Cardiovascular Disease, Montreal Heart Institute
Classification: Likely benign. Last evaluated: 2025-04-09. Review status: criteria provided, single submitter. Criteria: ACMG Guidelines, 2015. Collection method: clinical testing. Allele origin: germline. Affected: no.
Comment: BP1

NM_001267550.2(TTN):c.1739T>A (p.Val580Asp)

Gene: TTN (titin; minus strand). Cytogenetic location: 2q31.2.
Variant type: single nucleotide variant.
Coding change: c.1739T>A on transcript NM_001267550.2 (MANE Select); coding-DNA position 1739, T replaced by A.
Protein change: p.Val580Asp; replaces valine 580 with aspartic acid.
Molecular consequence: missense variant. On other transcripts: intron variant (3).
Genome position (GRCh38, 1-based): chr2:178,790,769, A>T on the plus strand (T>A on the coding strand, the complement: TTN is on the minus strand). VCF-style: chr2-178790769-A-T. GRCh37 (hg19) VCF-style: chr2-179655496-A-T.
Other names: c.1739T>A, p.Val580Asp (NM_001256850.1, NM_133378.4, NM_133379.5); c.1663-654T>A (NM_003319.4, NM_133437.4, NM_133432.3); short protein forms V580D.
Identifiers: ClinVar variation 3895242 (VCV003895242.1).